The following is an entry in ClinVar:

NM_003664.5(AP3B1):c.*379A>G

Gene: AP3B1 (adaptor related protein complex 3 subunit beta 1; minus strand). Cytogenetic location: 5q14.1.
Variant type: single nucleotide variant.
Coding change: c.*379A>G on transcript NM_003664.5 (MANE Select); 379 bases downstream of the stop codon, A replaced by G.
Molecular consequence: 3 prime UTR variant.
Genome position (GRCh38, 1-based): chr5:78,002,523, T>C on the plus strand (A>G on the coding strand, the complement: AP3B1 is on the minus strand). VCF-style: chr5-78002523-T-C. GRCh37 (hg19) VCF-style: chr5-77298347-T-C.
Other names: c.*379A>G (NM_001271769.2).
Identifiers: ClinVar variation 354215 (VCV000354215.5), dbSNP rs115124715, ClinGen allele CA10625182.

ClinVar aggregate classification (germline): Benign (1 of 4 stars; one submission).

Conditions:
Hermansky-Pudlak syndrome 2 (HPS2). Also called: Platelet defects and oculocutaneous albinism. Identifiers: Orphanet 183678, Orphanet 79430, MedGen C1842362, MONDO:0011997, OMIM 608233.

Allele frequency attached by ClinVar (database versions not stated): gnomAD exomes 0.00057; gnomAD 0.00614 and 0.00669; TOPMed 0.00631; 1000 Genomes Project 0.00679; 1000 Genomes Project 30x 0.00765.
gnomAD v4.1: 1,134 of 483,524 alleles (0.23%); highest among the groups gnomAD compares: African/African-American, 2%; 6 homozygotes.

Submission:

Illumina Laboratory Services, Illumina
Classification: Benign for Hermansky-Pudlak syndrome 2. Last evaluated: 2018-01-13. Review status: criteria provided, single submitter. Criteria: ICSL Variant Classification Criteria 13 December 2019. Collection method: clinical testing. Allele origin: germline.
Comment: This variant was observed in the ICSL laboratory as part of a predisposition screen in an ostensibly healthy population. It had not been previously curated by ICSL or reported in the Human Gene Mutation Database (HGMD: prior to June 1st, 2018), and was therefore a candidate for classification through an automated scoring system. Utilizing variant allele frequency, disease prevalence and penetrance estimates, and inheritance mode, an automated score was calculated to assess if this variant is too frequent to cause the disease. Based on the score and internal cut-off values, a variant classified as benign is not then subjected to further curation. The score for this variant resulted in a classification of benign for this disease.